The following is an entry in ClinVar:

ClinVar aggregate classification (germline): Uncertain significance. Review status: criteria provided, multiple submitters, no conflicts (2 of 4 stars). 5 submissions from 5 submitters: Uncertain significance (5). Last evaluated 2026-07-07.

Conditions:
Timothy syndrome (TS). Also called: LONG QT SYNDROME WITH SYNDACTYLY. Identifiers: Orphanet 65283, MedGen C1832916, MeSH C536962, MONDO:0010979, OMIM 601005.
Brugada syndrome 3 (BRGDA3). Identifiers: Orphanet 130, MedGen C2678478, MONDO:0012742, OMIM 611875.
Long QT syndrome 8. Identifiers: MedGen CN260585, MONDO:0032756, OMIM 618447.
Cardiovascular phenotype. Identifiers: MedGen CN230736.
Long QT syndrome (LQTS). Identifiers: MedGen C0023976, MeSH D008133, MONDO:0002442. Disease mechanism: loss of function. Inheritance: Various modes of inheritance.

Allele frequency attached by ClinVar (database versions not stated): gnomAD 0.00001 and 0.00002; gnomAD exomes 0.00001 and 0.00003; TOPMed 0.00004; ESP Exome Variant Server 0.00008.
gnomAD v4.1: 51 of 1,611,630 alleles (0.0032%); highest among the groups gnomAD compares: Non-Finnish European, 0.0042%; no homozygotes.

Submissions (5):

Ambry Genetics
Classification: Uncertain significance for Cardiovascular phenotype. Last evaluated: 2026-07-07. Review status: criteria provided, single submitter. Criteria: Ambry Variant Classification Scheme 2023. Collection method: clinical testing. Allele origin: germline.
Comment: The p.E1850A variant (also known as c.5549A>C), located in coding exon 43 of the CACNA1C gene, results from an A to C substitution at nucleotide position 5549. The glutamic acid at codon 1850 is replaced by alanine, an amino acid with dissimilar properties. This amino acid position is well conserved in available vertebrate species. In addition, this alteration is predicted to be deleterious by in silico analysis. Based on data from gnomAD, the frequency for this variant is above the maximum credible frequency for a long QT syndrome / Timothy syndrome-causing variant in this gene based on internally established thresholds (Karczewski et al. Nature. 2020 May;581(7809):434-443; Whiffin et al. Genet Med. 2017 10;19:1151-1158). Based on the available evidence, the clinical significance of this variant remains unclear for CACNA1C-related neurodevelopmental disorder; however, it is unlikely to be causative of CACNA1C-related long QT syndrome / Timothy syndrome.

Labcorp Genetics (formerly Invitae), Labcorp
Classification: Uncertain significance for Long QT syndrome. Last evaluated: 2024-10-29. Review status: criteria provided, single submitter. Criteria: Invitae Variant Classification Sherloc (09022015). Collection method: clinical testing. Allele origin: germline.
Comment: This sequence change replaces glutamic acid, which is acidic and polar, with alanine, which is neutral and non-polar, at codon 1850 of the CACNA1C protein (p.Glu1850Ala). This variant is present in population databases (rs375846068, gnomAD 0.002%). This variant has not been reported in the literature in individuals affected with CACNA1C-related conditions. ClinVar contains an entry for this variant (Variation ID: 660329). Invitae Evidence Modeling of protein sequence and biophysical properties (such as structural, functional, and spatial information, amino acid conservation, physicochemical variation, residue mobility, and thermodynamic stability) indicates that this missense variant is not expected to disrupt CACNA1C protein function with a negative predictive value of 95%. In summary, the available evidence is currently insufficient to determine the role of this variant in disease. Therefore, it has been classified as a Variant of Uncertain Significance.

Fulgent Genetics
Classification: Uncertain significance for Timothy syndrome; Brugada syndrome 3; Long QT syndrome 8. Last evaluated: 2021-07-29. Review status: criteria provided, single submitter. Criteria: ACMG Guidelines, 2015. Collection method: clinical testing. Allele origin: unknown.

MVZ Martinsried, Medicover Genetics
Classification: Uncertain significance for Timothy syndrome. Last evaluated: 2019-09-26. Review status: criteria provided, single submitter. Criteria: ACMG Guidelines, 2015. Collection method: clinical testing. Allele origin: unknown. Affected: yes.

CeGaT Center for Human Genetics Tuebingen
Classification: Uncertain significance. Last evaluated: 2018-04-01. Review status: criteria provided, single submitter. Criteria: CeGaT Center For Human Genetics Tuebingen Variant Classification Criteria Version 2. Collection method: clinical testing. Allele origin: germline. Affected: yes. Observed: 1 variant allele.

NM_000719.7(CACNA1C):c.5549A>C (p.Glu1850Ala)

Genes: CACNA1C (calcium voltage-gated channel subunit alpha1 C; plus strand), CACNA1C-AS1 (CACNA1C antisense RNA 1; minus strand). Cytogenetic location: 12p13.33.
Variant type: single nucleotide variant.
Coding change: c.5549A>C on transcript NM_000719.7 (MANE Select); coding-DNA position 5549, A replaced by C.
Protein change: p.Glu1850Ala; replaces glutamic acid 1850 with alanine.
Molecular consequence: missense variant.
Genome position (GRCh38, 1-based): chr12:2,682,654, A>C. VCF-style: chr12-2682654-A-C. GRCh37 (hg19) VCF-style: chr12-2791820-A-C.
Other names: c.5693A>C, p.Glu1898Ala (NM_001129827.2); c.5672A>C, p.Glu1891Ala (NM_001129829.2); c.5654A>C, p.Glu1885Ala (NM_001129830.3, NM_001167624.3); c.5633A>C, p.Glu1878Ala (NM_001129831.2); c.5609A>C, p.Glu1870Ala (NM_001129832.2); c.5606A>C, p.Glu1869Ala (NM_001129833.2, NM_001129834.2, NM_001129835.2); c.5600A>C, p.Glu1867Ala (NM_001129836.2); c.5573A>C, p.Glu1858Ala (NM_001129837.2, NM_001129838.2); and 6 more; short protein forms E1856A, E1870A, E1898A, E1910A, E1850A, E1858A, E1885A, E1839A.
Identifiers: ClinVar variation 660329 (VCV000660329.52), dbSNP rs375846068, ClinGen allele CA231613433.
Genomic context (GRCh38, chr12:2,682,654, plus strand): 5'-AGACGTCTCAGGATGAGACCTATGAAGTGAAGATGAACCATGACACGGAGGCCTGCAGTG[A>C]GCCCAGCCTGCTCTCCACAGAGATGTGAGCTCTGCTGCCCTCTGCTGAGGCTGACCCAAG-3'
Protein context (NP_000710.5, residues 1840-1860): KMNHDTEACS[Glu1850Ala]PSLLSTEMLS